The following is an entry in ClinVar:

ClinVar aggregate classification (germline): Uncertain significance. Review status: criteria provided, single submitter (1 of 4 stars). 2 submissions from 2 submitters: Uncertain significance (1). 1 of the submissions does not count toward it. Last evaluated 2024-11-15.

Conditions:
alpha Thalassemia. Also called: Alpha thalassemia spectrum. Identifiers: Orphanet 846, MedGen C0002312, MONDO:0011399, OMIM 604131.

Submissions (2):

Women's Health and Genetics/Laboratory Corporation of America, LabCorp
Classification: Uncertain significance. Last evaluated: 2024-11-15. Review status: criteria provided, single submitter. Criteria: LabCorp Variant Classification Summary - May 2015. Collection method: clinical testing. Allele origin: germline.
Comment: Variant summary: HBA2 c.368A>T (p.His123Leu also known as Hb Dubai in the literature) results in a non-conservative amino acid change in the encoded protein sequence. Four of five in-silico tools predict a damaging effect of the variant on protein function. The variant was absent in 248160 control chromosomes (gnomAD). The available data on variant occurrences in the general population are insufficient to allow any conclusion about variant significance. c.368A>T has been reported in the literature in at least an individual affected with minor alpha thalassemia (example: Joly_2011). This report however does not provide unequivocal conclusions about association of the variant with alpha thalassemia. To our knowledge, no experimental evidence demonstrating an impact on protein function has been reported. The following publications have been ascertained in the context of this evaluation (PMID: 21417572, 29365076). No submitters have cited clinical-significance assessments for this variant to ClinVar. Based on the evidence outlined above, the variant was classified as uncertain significance.

Molecular Genetics Laboratory, BC Children's and BC Women's Hospitals
Classification: Uncertain significance for alpha Thalassemia. Last evaluated: 2025-05-16. Review status: no assertion criteria provided. Criteria: ACMG Guidelines, 2015. Collection method: clinical testing. Allele origin: germline. Affected: yes. Not counted in ClinVar's aggregate classification.

Literature cited by the submitters: PubMed 29365076 (cited by Women's Health and Genetics/Laboratory Corporation of America, LabCorp); PubMed 21417572 (cited by Women's Health and Genetics/Laboratory Corporation of America, LabCorp).

NM_000517.6(HBA2):c.368A>T (p.His123Leu)

Genes: HBA2 (hemoglobin subunit alpha 2; plus strand), LOC106804612 (hemoglobin subunit alpha 2 recombination region; plus strand). Cytogenetic location: 16p13.3.
Variant type: single nucleotide variant.
Coding change: c.368A>T on transcript NM_000517.6 (MANE Select); coding-DNA position 368, A replaced by T.
Protein change: p.His123Leu; replaces histidine 123 with leucine.
Molecular consequence: missense variant.
Genome position (GRCh38, 1-based): chr16:173,539, A>T. VCF-style: chr16-173539-A-T. GRCh37 (hg19) VCF-style: chr16-223538-A-T.
Other names: c.368A>T (NM_000517.4); short protein forms H123L.
Identifiers: ClinVar variation 3629621 (VCV003629621.2).